The following is an entry in ClinVar:

ClinVar aggregate classification (germline): Uncertain significance (1 of 4 stars; one submission).

Submission:

Ambry Genetics
Classification: Uncertain significance. Last evaluated: 2023-10-22. Review status: criteria provided, single submitter. Criteria: Ambry Variant Classification Scheme 2023. Collection method: clinical testing. Allele origin: germline.
Comment: The p.I1332L variant (also known as c.3994A>C), located in coding exon 9 of the MLH3 gene, results from an A to C substitution at nucleotide position 3994. The isoleucine at codon 1332 is replaced by leucine, an amino acid with highly similar properties. This amino acid position is conserved. In addition, this alteration is predicted to be tolerated by in silico analysis. Since supporting evidence is limited at this time, the clinical significance of this alteration remains unclear.

NM_001040108.2(MLH3):c.3994A>C (p.Ile1332Leu)

Gene: MLH3 (mutL homolog 3; minus strand). Cytogenetic location: 14q24.3.
Variant type: single nucleotide variant.
Coding change: c.3994A>C on transcript NM_001040108.2 (MANE Select); coding-DNA position 3994, A replaced by C.
Protein change: p.Ile1332Leu; replaces isoleucine 1332 with leucine.
Molecular consequence: missense variant.
Genome position (GRCh38, 1-based): chr14:75,023,012, T>G on the plus strand (A>C on the coding strand, the complement: MLH3 is on the minus strand). VCF-style: chr14-75023012-T-G. GRCh37 (hg19) VCF-style: chr14-75489715-T-G.
Other names: c.3922A>C, p.Ile1308Leu (NM_014381.3); short protein forms I1308L, I1332L.
Identifiers: ClinVar variation 3232564 (VCV003232564.1), dbSNP rs2503070830, ClinGen allele CA390421788.